The following is an entry in ClinVar:

NM_001042492.3(NF1):c.3430dup (p.Cys1144fs)

Gene: NF1 (neurofibromin 1; plus strand). Cytogenetic location: 17q11.2.
Variant type: Duplication.
Coding change: c.3430dup on transcript NM_001042492.3 (MANE Select); coding-DNA position 3430, one base duplicated (T; older notation c.3430dupT).
Protein change: p.Cys1144fs; shifts the reading frame from cysteine 1144.
Molecular consequence: frameshift variant.
Genome position (GRCh38, 1-based): chr17:31,232,815, T duplicated. VCF-style (leftmost placement, unchanged base first): chr17-31232814-C-CT. GRCh37 (hg19) VCF-style: chr17-29559832-C-CT.
Other names: c.3430dup, p.Cys1144Leufs (NM_000267.4); short protein forms C1144fs.
Identifiers: ClinVar variation 2767722 (VCV002767722.3), dbSNP rs2508232557, ClinGen allele CA2697559792.
Genomic context (GRCh38, chr17:31,232,814, plus strand): 5'-AAGTGCGCAAACAGGTGGCAGGAAACGTGGCATGTCTCGGAGGCTGGCATCACTGAGGCA[C>CT]TGTACGGTCCTTGCAATGTCAAACTTACTCAATGCCAACGTAGACAGTGGTCTCATGCAC-3'

ClinVar aggregate classification (germline): Pathogenic (1 of 4 stars; one submission).

Conditions:
Neurofibromatosis, type 1 (NF1). Also called: VON RECKLINGHAUSEN DISEASE; Neurofibromatosis, type I; NEUROFIBROMATOSIS, TYPE I, SOMATIC; Peripheral type neurofibromatosis. Identifiers: Orphanet 636, MedGen C0027831, MONDO:0018975, OMIM 162200. Disease mechanism: loss of function.

Submission:

Labcorp Genetics (formerly Invitae), Labcorp
Classification: Pathogenic for Neurofibromatosis, type 1. Last evaluated: 2023-10-12. Review status: criteria provided, single submitter. Criteria: Invitae Variant Classification Sherloc (09022015). Collection method: clinical testing. Allele origin: germline.
Comment: This sequence change creates a premature translational stop signal (p.Cys1144Leufs*51) in the NF1 gene. It is expected to result in an absent or disrupted protein product. Loss-of-function variants in NF1 are known to be pathogenic (PMID: 10712197, 23913538). This variant is not present in population databases (gnomAD no frequency). This variant has not been reported in the literature in individuals affected with NF1-related conditions. For these reasons, this variant has been classified as Pathogenic.

Literature cited by the submitters: PubMed 10712197; PubMed 23913538.